The following is an entry in ClinVar:

ClinVar aggregate classification (germline): Uncertain significance. Review status: criteria provided, multiple submitters, no conflicts (2 of 4 stars). 2 submissions from 2 submitters: Uncertain significance (2). Last evaluated 2023-06-29.

Conditions:
Inborn genetic diseases. Identifiers: MedGen C0950123, MeSH D030342.

Allele frequency attached by ClinVar (database versions not stated): gnomAD 0.00002; gnomAD exomes 0.00002; ExAC 0.00009; TOPMed 0.00009.
gnomAD v4.1: 36 of 1,613,436 alleles (0.0022%); highest among the groups gnomAD compares: East Asian, 0.027%; no homozygotes.

Submissions (2):

Ambry Genetics
Classification: Uncertain significance for Inborn genetic diseases. Last evaluated: 2023-06-29. Review status: criteria provided, single submitter. Criteria: Ambry Variant Classification Scheme 2023. Collection method: clinical testing. Allele origin: germline.

Labcorp Genetics (formerly Invitae), Labcorp
Classification: Uncertain significance. Last evaluated: 2022-07-19. Review status: criteria provided, single submitter. Criteria: Invitae Variant Classification Sherloc (09022015). Collection method: clinical testing. Allele origin: germline.
Comment: This sequence change replaces arginine, which is basic and polar, with glutamine, which is neutral and polar, at codon 587 of the C6 protein (p.Arg587Gln). This variant is present in population databases (rs207465951, gnomAD 0.1%). This variant has not been reported in the literature in individuals affected with C6-related conditions. Algorithms developed to predict the effect of missense changes on protein structure and function are either unavailable or do not agree on the potential impact of this missense change (SIFT: "Deleterious"; PolyPhen-2: "Probably Damaging"; Align-GVGD: "Class C0"). In summary, the available evidence is currently insufficient to determine the role of this variant in disease. Therefore, it has been classified as a Variant of Uncertain Significance.

NM_000065.5(C6):c.1760G>A (p.Arg587Gln)

Gene: C6 (complement C6; minus strand). Cytogenetic location: 5p13.1.
Variant type: single nucleotide variant.
Coding change: c.1760G>A on transcript NM_000065.5 (MANE Select); coding-DNA position 1760, G replaced by A.
Protein change: p.Arg587Gln; replaces arginine 587 with glutamine.
Molecular consequence: missense variant.
Genome position (GRCh38, 1-based): chr5:41,159,178, C>T on the plus strand (G>A on the coding strand, the complement: C6 is on the minus strand). VCF-style: chr5-41159178-C-T. GRCh37 (hg19) VCF-style: chr5-41159280-C-T.
Other names: c.1760G>A, p.Arg587Gln (NM_001115131.4); short protein forms R587Q.
Identifiers: ClinVar variation 2419115 (VCV002419115.5), dbSNP rs207465951, ClinGen allele CA3252348.